The following is an entry in ClinVar:

NM_004370.6(COL12A1):c.4042A>G (p.Thr1348Ala)

Gene: COL12A1 (collagen type XII alpha 1 chain; minus strand). Cytogenetic location: 6q13.
Variant type: single nucleotide variant.
Coding change: c.4042A>G on transcript NM_004370.6 (MANE Select); coding-DNA position 4042, A replaced by G.
Protein change: p.Thr1348Ala; replaces threonine 1348 with alanine.
Molecular consequence: missense variant.
Genome position (GRCh38, 1-based): chr6:75,151,246, T>C on the plus strand (A>G on the coding strand, the complement: COL12A1 is on the minus strand). VCF-style: chr6-75151246-T-C. GRCh37 (hg19) VCF-style: chr6-75860962-T-C.
Other names: c.550A>G, p.Thr184Ala (NM_080645.3); short protein forms T1348A, T184A.
Identifiers: ClinVar variation 949820 (VCV000949820.10), dbSNP rs1335085130, ClinGen allele CA364747240.
Genomic context (GRCh38, chr6:75,151,246, plus strand): 5'-CTATCCTGGAGAGTGACTCAAAATCTGCCACATTGTATGCATGGGTATCATCAGGATCAG[T>C]TGCAATCATCTTTAATTCGACTTCATCAGCATTTTTAATACCTTCAAAAACGGATATATA-3'
Protein context (NP_004361.3, residues 1338-1358): ADEVELKMIA[Thr1348Ala]DPDDTHAYNV

ClinVar aggregate classification (germline): Uncertain significance (1 of 4 stars; one submission).

Conditions:
Ullrich congenital muscular dystrophy 2 (UCMD2). Identifiers: Orphanet 75840, MedGen C4225314, MONDO:0014654, OMIM 616470.
Bethlem myopathy 2 (BTHLM2). Identifiers: Orphanet 536516, Orphanet 610, MedGen C4225313, MONDO:0034022, OMIM 616471.

Allele frequency attached by ClinVar (database versions not stated): gnomAD exomes below 0.00001; TOPMed below 0.00001.
gnomAD v4.1: 5 of 1,613,378 alleles (0.00031%); highest among the groups gnomAD compares: Non-Finnish European, 0.00042%; no homozygotes.

Submission:

Labcorp Genetics (formerly Invitae), Labcorp
Classification: Uncertain significance for Bethlem myopathy 2; Ullrich congenital muscular dystrophy 2. Last evaluated: 2025-12-09. Review status: criteria provided, single submitter. Criteria: Invitae Variant Classification Sherloc (09022015). Collection method: clinical testing. Allele origin: germline.
Comment: This sequence change replaces threonine, which is neutral and polar, with alanine, which is neutral and non-polar, at codon 1348 of the COL12A1 protein (p.Thr1348Ala). This variant is present in population databases (no rsID available, gnomAD 0.0009%). This variant has not been reported in the literature in individuals affected with COL12A1-related conditions. ClinVar contains an entry for this variant (Variation ID: 949820). Invitae Evidence Modeling of protein sequence and biophysical properties (such as structural, functional, and spatial information, amino acid conservation, physicochemical variation, residue mobility, and thermodynamic stability) indicates that this missense variant is not expected to disrupt COL12A1 protein function with a negative predictive value of 80%. In summary, the available evidence is currently insufficient to determine the role of this variant in disease. Therefore, it has been classified as a Variant of Uncertain Significance.